The following is an entry in ClinVar:

ClinVar aggregate classification (germline): Uncertain significance (1 of 4 stars; one submission).

Conditions:
Ehlers-Danlos syndrome, classic type, 1 (EDSCL1). Also called: EHLERS-DANLOS SYNDROME, GRAVIS TYPE; EHLERS-DANLOS SYNDROME, SEVERE CLASSIC TYPE; EDS I; Ehlers-Danlos Syndrome, Classic Type, COL5A1-Related; Ehlers-Danlos syndrome, type 1. Identifiers: MedGen C0268335, MONDO:0019567, OMIM 130000.

Submission:

Labcorp Genetics (formerly Invitae), Labcorp
Classification: Uncertain significance for Ehlers-Danlos syndrome, classic type, 1. Last evaluated: 2024-02-16. Review status: criteria provided, single submitter. Criteria: Invitae Variant Classification Sherloc (09022015). Collection method: clinical testing. Allele origin: germline.
Comment: This sequence change replaces glycine, which is neutral and non-polar, with serine, which is neutral and polar, at codon 981 of the COL5A2 protein (p.Gly981Ser). This variant is not present in population databases (gnomAD no frequency). This variant has not been reported in the literature in individuals affected with COL5A2-related conditions. ClinVar contains an entry for this variant (Variation ID: 1056780). Advanced modeling of protein sequence and biophysical properties (such as structural, functional, and spatial information, amino acid conservation, physicochemical variation, residue mobility, and thermodynamic stability) performed at Invitae indicates that this missense variant is expected to disrupt COL5A2 protein function with a positive predictive value of 80%. In summary, the available evidence is currently insufficient to determine the role of this variant in disease. Therefore, it has been classified as a Variant of Uncertain Significance.

NM_000393.5(COL5A2):c.2941G>A (p.Gly981Ser)

Gene: COL5A2 (collagen type V alpha 2 chain; minus strand). Cytogenetic location: 2q32.2.
Variant type: single nucleotide variant.
Coding change: c.2941G>A on transcript NM_000393.5 (MANE Select); coding-DNA position 2941, G replaced by A.
Protein change: p.Gly981Ser; replaces glycine 981 with serine.
Molecular consequence: missense variant.
Genome position (GRCh38, 1-based): chr2:189,050,667, C>T on the plus strand (G>A on the coding strand, the complement: COL5A2 is on the minus strand). VCF-style: chr2-189050667-C-T. GRCh37 (hg19) VCF-style: chr2-189915393-C-T.
Other names: short protein forms G981S.
Identifiers: ClinVar variation 1056780 (VCV001056780.10), dbSNP rs2153508066, ClinGen allele CA349867206.